The following is an entry in ClinVar:

ClinVar aggregate classification (germline): Uncertain significance. Review status: criteria provided, multiple submitters, no conflicts (2 of 4 stars). 2 submissions from 2 submitters: Uncertain significance (2). Last evaluated 2024-09-03.

Conditions:
Muscular dystrophy-dystroglycanopathy (congenital with brain and eye anomalies), type a, 8 (MDDGA8). Also called: WALKER-WARBURG SYNDROME OR MUSCLE-EYE-BRAIN DISEASE, GTDC2-RELATED. Identifiers: Orphanet 899, MedGen C3553813, MONDO:0013904, OMIM 614830.
Inborn genetic diseases. Identifiers: MedGen C0950123, MeSH D030342.

Allele frequency attached by ClinVar (database versions not stated): gnomAD 0.00002 and 0.00003; gnomAD exomes 0.00002 and 0.00005; ExAC 0.00004; TOPMed 0.00004; 1000 Genomes Project 0.00020; 1000 Genomes Project 30x 0.00031.

Submissions (2):

Labcorp Genetics (formerly Invitae), Labcorp
Classification: Uncertain significance for Muscular dystrophy-dystroglycanopathy (congenital with brain and eye anomalies), type a, 8. Last evaluated: 2024-09-03. Review status: criteria provided, single submitter. Criteria: Invitae Variant Classification Sherloc (09022015). Collection method: clinical testing. Allele origin: germline.
Comment: This sequence change replaces arginine, which is basic and polar, with tryptophan, which is neutral and slightly polar, at codon 110 of the POMGNT2 protein (p.Arg110Trp). This variant is present in population databases (rs201938216, gnomAD 0.05%). This variant has not been reported in the literature in individuals affected with POMGNT2-related conditions. ClinVar contains an entry for this variant (Variation ID: 1424871). Invitae Evidence Modeling of protein sequence and biophysical properties (such as structural, functional, and spatial information, amino acid conservation, physicochemical variation, residue mobility, and thermodynamic stability) indicates that this missense variant is not expected to disrupt POMGNT2 protein function with a negative predictive value of 80%. In summary, the available evidence is currently insufficient to determine the role of this variant in disease. Therefore, it has been classified as a Variant of Uncertain Significance.

Ambry Genetics
Classification: Uncertain significance for Inborn genetic diseases. Last evaluated: 2023-10-25. Review status: criteria provided, single submitter. Criteria: Ambry Variant Classification Scheme 2023. Collection method: clinical testing. Allele origin: germline.

NM_032806.6(POMGNT2):c.328C>T (p.Arg110Trp)

Gene: POMGNT2 (protein O-linked mannose N-acetylglucosaminyltransferase 2 (beta 1,4-); minus strand). Cytogenetic location: 3p22.1.
Variant type: single nucleotide variant.
Coding change: c.328C>T on transcript NM_032806.6 (MANE Select); coding-DNA position 328, C replaced by T.
Protein change: p.Arg110Trp; replaces arginine 110 with tryptophan.
Molecular consequence: missense variant.
Genome position (GRCh38, 1-based): chr3:43,081,104, G>A on the plus strand (C>T on the coding strand, the complement: POMGNT2 is on the minus strand). VCF-style: chr3-43081104-G-A. GRCh37 (hg19) VCF-style: chr3-43122596-G-A.
Other names: c.328C>T (NM_032806.4); short protein forms R110W.
Identifiers: ClinVar variation 1424871 (VCV001424871.6), dbSNP rs201938216, ClinGen allele CA2340104.